The following is an entry in ClinVar:

ClinVar aggregate classification (germline): Conflicting classifications of pathogenicity. Review status: criteria provided, conflicting classifications (1 of 4 stars). 2 submissions from 2 submitters: Uncertain significance (1); Likely benign (1). Last evaluated 2025-02-08.

Conditions:
Cardiovascular phenotype. Identifiers: MedGen CN230736.

gnomAD v4.1: 46 of 1,612,492 alleles (0.0029%); highest among the groups gnomAD compares: East Asian, 0.02%; no homozygotes.

Submissions (2):

Ambry Genetics
Classification: Likely benign for Cardiovascular phenotype. Last evaluated: 2025-02-08. Review status: criteria provided, single submitter. Criteria: Ambry Variant Classification Scheme 2023. Collection method: clinical testing. Allele origin: germline.

CeGaT Center for Human Genetics Tuebingen
Classification: Uncertain significance. Last evaluated: 2022-09-01. Review status: criteria provided, single submitter. Criteria: CeGaT Center For Human Genetics Tuebingen Variant Classification Criteria Version 2. Collection method: clinical testing. Allele origin: germline. Affected: yes. Observed: 1 variant allele.
Comment: TNXB: PM2:Supporting, BP4

NM_001365276.2(TNXB):c.6277G>C (p.Ala2093Pro)

Gene: TNXB (tenascin XB; minus strand). Cytogenetic location: 6p21.33.
Variant type: single nucleotide variant.
Coding change: c.6277G>C on transcript NM_001365276.2 (MANE Select); coding-DNA position 6277, G replaced by C.
Protein change: p.Ala2093Pro; replaces alanine 2093 with proline.
Molecular consequence: missense variant.
Genome position (GRCh38, 1-based): chr6:32,067,928, C>G on the plus strand (G>C on the coding strand, the complement: TNXB is on the minus strand). VCF-style: chr6-32067928-C-G. GRCh37 (hg19) VCF-style: chr6-32035705-C-G.
Other names: c.6277G>C, p.Ala2093Pro (NM_019105.8); short protein forms A2093P.
Identifiers: ClinVar variation 1752565 (VCV001752565.27), dbSNP rs768829550, ClinGen allele CA3734481.